The following is an entry in ClinVar:

NM_018834.6(MATR3):c.2381A>G (p.Tyr794Cys)

Gene: MATR3 (matrin 3; plus strand). Cytogenetic location: 5q31.2.
Variant type: single nucleotide variant.
Coding change: c.2381A>G on transcript NM_018834.6 (MANE Select); coding-DNA position 2381, A replaced by G.
Protein change: p.Tyr794Cys; replaces tyrosine 794 with cysteine.
Molecular consequence: missense variant.
Genome position (GRCh38, 1-based): chr5:139,326,172, A>G. VCF-style: chr5-139326172-A-G. GRCh37 (hg19) VCF-style: chr5-138661861-A-G.
Other names: c.2381A>G, p.Tyr794Cys (NM_001194954.2, NM_001194955.2, NM_001400447.1 and 11 more transcripts); c.1517A>G, p.Tyr506Cys (NM_001194956.2); c.1367A>G, p.Tyr456Cys (NM_001282278.2, NM_001400462.1, NM_001400463.1 and 4 more transcripts); c.2525A>G, p.Tyr842Cys (NM_001400441.1, NM_001400442.1, NM_001400443.1 and 2 more transcripts); c.1520A>G, p.Tyr507Cys (NM_001400459.1); c.1511A>G, p.Tyr504Cys (NM_001400460.1); c.1481A>G, p.Tyr494Cys (NM_001400461.1); short protein forms Y456C, Y494C, Y504C, Y506C, Y507C, Y794C, Y842C.
Identifiers: ClinVar variation 4805531 (VCV004805531.1).

ClinVar aggregate classification (germline): Uncertain significance (1 of 4 stars; one submission).

Conditions:
Amyotrophic lateral sclerosis type 21. Also called: VOCAL CORD AND PHARYNGEAL DYSFUNCTION WITH DISTAL MYOPATHY; MYOPATHY, DISTAL, 2. Identifiers: Orphanet 600, Orphanet 803, MedGen C3807521, MONDO:0011632, OMIM 606070.

gnomAD v4.1: 1 of 1,604,244 alleles (0.000062%); highest among the groups gnomAD compares: Non-Finnish European, 0.000085%; no homozygotes.

Submission:

Labcorp Genetics (formerly Invitae), Labcorp
Classification: Uncertain significance for Amyotrophic lateral sclerosis type 21. Last evaluated: 2025-09-21. Review status: criteria provided, single submitter. Criteria: Invitae Variant Classification Sherloc (09022015). Collection method: clinical testing. Allele origin: germline.
Comment: This sequence change replaces tyrosine, which is neutral and polar, with cysteine, which is neutral and slightly polar, at codon 794 of the MATR3 protein (p.Tyr794Cys). This variant is present in population databases (no rsID available, gnomAD 0.0009%). This variant has not been reported in the literature in individuals affected with MATR3-related conditions. An algorithm developed to predict the effect of missense changes on protein structure and function (PolyPhen-2) suggests that this variant is likely to be disruptive. In summary, the available evidence is currently insufficient to determine the role of this variant in disease. Therefore, it has been classified as a Variant of Uncertain Significance.